The following is an entry in ClinVar:

NM_001303.4(COX10):c.851_855dup (p.Trp286fs)

Genes: COX10 (cytochrome c oxidase assembly factor heme A:farnesyltransferase COX10; plus strand), LOC105943586 (distal CMT1A-REP; plus strand). Cytogenetic location: 17p12.
Variant type: Duplication.
Coding change: c.851_855dup on transcript NM_001303.4 (MANE Select); coding-DNA positions 851 to 855, 5 bases duplicated (ACACA; older notation c.851_855dupACACA).
Protein change: p.Trp286fs; shifts the reading frame from tryptophan 286.
Molecular consequence: frameshift variant.
Genome position (GRCh38, 1-based): chr17:14,192,144-14,192,148, ACACA duplicated; duplicating any 5 consecutive bases within chr17:14,192,142-14,192,148 gives the same sequence; the c. name uses the placement nearest the transcript's 3' end. VCF-style (leftmost placement, unchanged base first): chr17-14192141-C-CCAACA. GRCh37 (hg19) VCF-style: chr17-14095458-C-CCAACA.
Other names: short protein forms W286fs.
Identifiers: ClinVar variation 3835688 (VCV003835688.1).

ClinVar aggregate classification (germline): Likely pathogenic (1 of 4 stars; one submission).

Conditions:
Inborn genetic diseases. Identifiers: MedGen C0950123, MeSH D030342.

Submission:

Ambry Genetics
Classification: Likely pathogenic for Inborn genetic diseases. Last evaluated: 2025-03-14. Review status: criteria provided, single submitter. Criteria: Ambry Variant Classification Scheme 2023. Collection method: clinical testing. Allele origin: germline.
Comment: The c.851_855dupACACA (p.W286Tfs*46) alteration, located in exon 6 (coding exon 6) of the COX10 gene, consists of a duplication of ACACA at position 851, causing a translational frameshift with a predicted alternate stop codon after 46 amino acids. This variant is not expected to trigger nonsense-mediated mRNA decay and impacts the last 35% of the protein. Premature stop codons are typically deleterious in nature and a significant portion of the protein is affected (Ambry internal data). This variant was not reported in population-based cohorts in the Genome Aggregation Database (gnomAD). Based on the available evidence, this alteration is classified as likely pathogenic.